The following is an entry in ClinVar:

ClinVar aggregate classification (germline): Uncertain significance. Review status: criteria provided, multiple submitters, no conflicts (2 of 4 stars). 2 submissions from 2 submitters: Uncertain significance (2). Last evaluated 2025-10-14.

Allele frequency attached by ClinVar (database versions not stated): gnomAD exomes 0.00004; gnomAD 0.00005; TOPMed 0.00005; ExAC 0.00007; ESP Exome Variant Server 0.00008.
gnomAD v4.1: 60 of 1,613,982 alleles (0.0037%); highest among the groups gnomAD compares: Middle Eastern, 0.049%; 1 homozygote.

Submissions (2):

Labcorp Genetics (formerly Invitae), Labcorp
Classification: Uncertain significance. Last evaluated: 2025-10-14. Review status: criteria provided, single submitter. Criteria: Invitae Variant Classification Sherloc (09022015). Collection method: clinical testing. Allele origin: germline.
Comment: This sequence change replaces asparagine, which is neutral and polar, with serine, which is neutral and polar, at codon 176 of the PTH1R protein (p.Asn176Ser). This variant is present in population databases (rs139017205, gnomAD 0.04%). This variant has not been reported in the literature in individuals affected with PTH1R-related conditions. ClinVar contains an entry for this variant (Variation ID: 2069070). Invitae Evidence Modeling of protein sequence and biophysical properties (such as structural, functional, and spatial information, amino acid conservation, physicochemical variation, residue mobility, and thermodynamic stability) indicates that this missense variant is not expected to disrupt PTH1R protein function with a negative predictive value of 80%. In summary, the available evidence is currently insufficient to determine the role of this variant in disease. Therefore, it has been classified as a Variant of Uncertain Significance.

Blueprint Genetics
Classification: Uncertain significance. Last evaluated: 2024-06-13. Review status: criteria provided, single submitter. Criteria: ACMG Guidelines, 2015. Collection method: clinical testing. Allele origin: germline.

NM_000316.3(PTH1R):c.527A>G (p.Asn176Ser)

Gene: PTH1R (parathyroid hormone 1 receptor; plus strand). Cytogenetic location: 3p21.31.
Variant type: single nucleotide variant.
Coding change: c.527A>G on transcript NM_000316.3 (MANE Select); coding-DNA position 527, A replaced by G.
Protein change: p.Asn176Ser; replaces asparagine 176 with serine.
Molecular consequence: missense variant.
Genome position (GRCh38, 1-based): chr3:46,898,176, A>G. VCF-style: chr3-46898176-A-G. GRCh37 (hg19) VCF-style: chr3-46939666-A-G.
Other names: c.527A>G, p.Asn176Ser (NM_001184744.1); short protein forms N176S.
Identifiers: ClinVar variation 2069070 (VCV002069070.5), dbSNP rs139017205, ClinGen allele CA2359204.
Genomic context (GRCh38, chr3:46,898,176, plus strand): 5'-TGGTGCCTGGGCACAACAGGACGTGGGCCAACTACAGCGAGTGTGTCAAATTTCTCACCA[A>G]TGAGACTCGTGAACGGGTGCGAGCCTTTCTCCTCCCCAACCTGACCAGGATAAATTCACT-3'
Protein context (NP_000307.1, residues 166-186): NYSECVKFLT[Asn176Ser]ETREREVFDR